The following is an entry in ClinVar:

ClinVar aggregate classification (germline): Uncertain significance (1 of 4 stars; one submission).

gnomAD v4.1: 7 of 1,613,838 alleles (0.00043%); highest among the groups gnomAD compares: East Asian, 0.0022%; no homozygotes.

Submission:

GeneDx
Classification: Uncertain significance. Last evaluated: 2026-08-04. Review status: criteria provided, single submitter. Criteria: GeneDx Variant Classification Process June 2021. Collection method: clinical testing. Allele origin: germline.
Comment: Not observed at significant frequency in large population cohorts (gnomAD); In silico analysis indicates that this missense variant does not alter protein structure/function; Has not been previously published as pathogenic or benign to our knowledge

NM_001854.4(COL11A1):c.55G>A (p.Val19Ile)

Gene: COL11A1 (collagen type XI alpha 1 chain; minus strand). Cytogenetic location: 1p21.1.
Variant type: single nucleotide variant.
Coding change: c.55G>A on transcript NM_001854.4 (MANE Select); coding-DNA position 55, G replaced by A.
Protein change: p.Val19Ile; replaces valine 19 with isoleucine.
Molecular consequence: missense variant. On other transcripts: non-coding transcript variant (1).
Genome position (GRCh38, 1-based): chr1:103,108,124, C>T on the plus strand (G>A on the coding strand, the complement: COL11A1 is on the minus strand). VCF-style: chr1-103108124-C-T. GRCh37 (hg19) VCF-style: chr1-103573680-C-T.
Other names: c.55G>A, p.Val19Ile (NM_001190709.2, NM_080629.3, NM_080630.4); short protein forms V19I.
Identifiers: ClinVar variation 3392955 (VCV003392955.2).